The following is an entry in ClinVar:

ClinVar aggregate classification (germline): Uncertain significance (1 of 4 stars; one submission).

Submission:

Labcorp Genetics (formerly Invitae), Labcorp
Classification: Uncertain significance. Last evaluated: 2023-02-21. Review status: criteria provided, single submitter. Criteria: Invitae Variant Classification Sherloc (09022015). Collection method: clinical testing. Allele origin: germline.
Comment: This sequence change replaces cysteine, which is neutral and slightly polar, with tyrosine, which is neutral and polar, at codon 747 of the POLE protein (p.Cys747Tyr). This variant is not present in population databases (gnomAD no frequency). In summary, the available evidence is currently insufficient to determine the role of this variant in disease. Therefore, it has been classified as a Variant of Uncertain Significance. Advanced modeling of protein sequence and biophysical properties (such as structural, functional, and spatial information, amino acid conservation, physicochemical variation, residue mobility, and thermodynamic stability) performed at Invitae indicates that this missense variant is expected to disrupt POLE protein function. This variant has not been reported in the literature in individuals affected with POLE-related conditions.

NM_006231.4(POLE):c.2240G>A (p.Cys747Tyr)

Gene: POLE (DNA polymerase epsilon, catalytic subunit; minus strand). Cytogenetic location: 12q24.33.
Variant type: single nucleotide variant.
Coding change: c.2240G>A on transcript NM_006231.4 (MANE Select); coding-DNA position 2240, G replaced by A.
Protein change: p.Cys747Tyr; replaces cysteine 747 with tyrosine.
Molecular consequence: missense variant.
Genome position (GRCh38, 1-based): chr12:132,667,582, C>T on the plus strand (G>A on the coding strand, the complement: POLE is on the minus strand). VCF-style: chr12-132667582-C-T. GRCh37 (hg19) VCF-style: chr12-133244168-C-T.
Other names: short protein forms C747Y.
Identifiers: ClinVar variation 2839338 (VCV002839338.3), dbSNP rs2135970323, ClinGen allele CA387352236.
Genomic context (GRCh38, chr12:132,667,582, plus strand): 5'-TCGTAACGCCTGTCCCGGAAGGCACGCACGGTGTCCACGTAGAAGGAGTTTTCCCGCTGG[C>T]AGATGGTGGTGAGACGCTCTTCCACCTTGGTGATGTGGATCTTCTTGTAGGCTTTCCGGC-3'
Protein context (NP_006222.2, residues 737-757): TKVEERLTTI[Cys747Tyr]QRENSFYVDT